The following is an entry in ClinVar:

NM_000397.4(CYBB):c.484-60TG[19]

Gene: CYBB (cytochrome b-245 beta chain; plus strand). Cytogenetic location: Xp21.1.
Variant type: Microsatellite.
Coding change: c.484-60TG[19] on transcript NM_000397.4 (MANE Select); 19 copies in a row of the 2-base unit TG starting at c.484-60.
Molecular consequence: intron variant.
Genome position: GRCh38 VCF-style: chrX-37795890-ATGTGTGTG-A. GRCh37 (hg19) VCF-style: chrX-37655143-ATGTGTGTG-A.
Other names: c.484-21_484-14delGTGTGTGT (NM_000397.4).
Identifiers: ClinVar variation 1246355 (VCV001246355.3), dbSNP rs57325016, ClinGen allele CA515670810.

ClinVar aggregate classification (germline): Benign. Review status: criteria provided, multiple submitters, no conflicts (2 of 4 stars). 2 submissions from 2 submitters: Benign (2). Last evaluated 2026-01-22.

Submissions (2):

Women's Health and Genetics/Laboratory Corporation of America, LabCorp
Classification: Benign. Last evaluated: 2026-01-22. Review status: criteria provided, single submitter. Criteria: LabCorp Variant Classification Summary - May 2015. Collection method: clinical testing. Allele origin: germline.
Comment: Variant summary: CYBB c.484-21_484-14delGTGTGTGT alters a nucleotide located at a position not widely known to affect splicing. Consensus agreement among computation tools predict no significant impact on normal splicing. However, these predictions have yet to be confirmed by functional studies. The variant was absent in 116750 control chromosomes. The available data on variant occurrences in the general population are insufficient to allow any conclusion about variant significance. To our knowledge, no occurrence of c.484-21_484-14delGTGTGTGT in individuals affected with CYBB-related conditions and no experimental evidence demonstrating its impact on protein function have been reported. ClinVar contains an entry for this variant (Variation ID: 1246355). Based on the evidence outlined above, the variant was classified as benign.

GeneDx
Classification: Benign. Last evaluated: 2020-03-01. Review status: criteria provided, single submitter. Criteria: GeneDx Variant Classification Process June 2021. Collection method: clinical testing. Allele origin: germline. Affected: yes.